The following is an entry in ClinVar:

ClinVar aggregate classification (germline): Uncertain significance. Review status: criteria provided, multiple submitters, no conflicts (2 of 4 stars). 2 submissions from 2 submitters: Uncertain significance (2). Last evaluated 2024-06-19.

Conditions:
Neurofibromatosis, type 2 (SWNV). Also called: SCHWANNOMATOSIS, VESTIBULAR; NF2-Related Schwannomatosis; BILATERAL ACOUSTIC NEUROFIBROMATOSIS. Identifiers: Orphanet 637, MedGen C0027832, MONDO:0007039, OMIM 101000. Disease mechanism: loss of function.
Hereditary cancer-predisposing syndrome. Also called: Hereditary Cancer Syndrome; Hereditary neoplastic syndrome; Neoplastic Syndromes, Hereditary; Tumor predisposition. Identifiers: Orphanet 140162, MedGen C0027672, MeSH D009386, MONDO:0015356.

Allele frequency attached by ClinVar (database versions not stated): 1000 Genomes Project 0.00020; ExAC 0.00001; gnomAD 0.00001; 1000 Genomes Project 30x 0.00016.
gnomAD v4.1: 1 of 1,606,764 alleles (0.000062%); highest among the groups gnomAD compares: African/African-American, 0.0013%; no homozygotes.

Submissions (2):

Labcorp Genetics (formerly Invitae), Labcorp
Classification: Uncertain significance for Neurofibromatosis, type 2. Last evaluated: 2024-06-19. Review status: criteria provided, single submitter. Criteria: Invitae Variant Classification Sherloc (09022015). Collection method: clinical testing. Allele origin: germline.
Comment: This sequence change falls in intron 10 of the NF2 gene. It does not directly change the encoded amino acid sequence of the NF2 protein. It affects a nucleotide within the consensus splice site. This variant is present in population databases (rs188515579, gnomAD 0.007%). This variant has not been reported in the literature in individuals affected with NF2-related conditions. ClinVar contains an entry for this variant (Variation ID: 1768828). Variants that disrupt the consensus splice site are a relatively common cause of aberrant splicing (PMID: 17576681, 9536098). Studies have shown that this variant is associated with inconclusive levels of altered splicing (Invitae). In summary, the available evidence is currently insufficient to determine the role of this variant in disease. Therefore, it has been classified as a Variant of Uncertain Significance.

Ambry Genetics
Classification: Uncertain significance for Hereditary cancer-predisposing syndrome. Last evaluated: 2021-11-22. Review status: criteria provided, single submitter. Criteria: Ambry Variant Classification Scheme 2023. Collection method: clinical testing. Allele origin: germline.
Comment: The c.999+5G>A intronic variant results from a G to A substitution 5 nucleotides after coding exon 10 in the NF2 gene. This nucleotide position is highly conserved in available vertebrate species. In silico splice site analysis predicts that this alteration will not have any significant effect on splicing. Since supporting evidence is limited at this time, the clinical significance of this alteration remains unclear.

Literature cited by the submitters: PubMed 17576681 (cited by Labcorp Genetics (formerly Invitae), Labcorp); PubMed 9536098 (cited by Labcorp Genetics (formerly Invitae), Labcorp).

NM_000268.4(NF2):c.999+5G>A

Gene: NF2 (NF2, moesin-ezrin-radixin like (MERLIN) tumor suppressor; plus strand). Cytogenetic location: 22q12.2.
Variant type: single nucleotide variant.
Coding change: c.999+5G>A on transcript NM_000268.4 (MANE Select); 5 bases into the intron after coding-DNA position 999, G replaced by A.
Molecular consequence: intron variant.
Genome position (GRCh38, 1-based): chr22:29,668,451, G>A. VCF-style: chr22-29668451-G-A. GRCh37 (hg19) VCF-style: chr22-30064440-G-A.
Other names: c.999+5G>A (NM_016418.5, NM_181832.3, NM_181825.3); c.447+26166G>A (NM_181833.3); c.876+5G>A (NM_181829.3); c.873+5G>A (NM_181828.3); c.750+5G>A (NM_181830.3, NM_181831.3).
Identifiers: ClinVar variation 1768828 (VCV001768828.5), dbSNP rs188515579, ClinGen allele CA036306.
Genomic context (GRCh38, chr22:29,668,451, plus strand): 5'-CTTTGGAAGTTCAGCAGATGAAAGCCCAGGCCAGGGAGGAGAAGGCTAGAAAGCAGGTGA[G>A]CACAACCTTGTTTTAACTGATGATGTCACTGTGTGGTCAGTCCTGGCCTGGGAGGCGAGG-3'